The following is an entry in ClinVar:

ClinVar aggregate classification (germline): Pathogenic (1 of 4 stars; one submission).

Conditions:
CHARGE syndrome (CHARGE). Also called: Coloboma, heart anomaly, choanal atresia, retardation, genital and ear anomalies; CHARGE association; Hall-Hittner syndrome; Hittner Hirsch Kreh syndrome; CHARGE ASSOCIATION--COLOBOMA, HEART ANOMALY, CHOANAL ATRESIA, RETARDATION, GENITAL AND EAR ANOMALIES. Identifiers: Orphanet 138, MedGen C0265354, MONDO:0008965.

Submission:

Labcorp Genetics (formerly Invitae), Labcorp
Classification: Pathogenic for CHARGE syndrome. Last evaluated: 2021-04-24. Review status: criteria provided, single submitter. Criteria: Invitae Variant Classification Sherloc (09022015). Collection method: clinical testing. Allele origin: germline.
Comment: This sequence change creates a premature translational stop signal (p.Phe1514Leufs*32) in the CHD7 gene. It is expected to result in an absent or disrupted protein product. Loss-of-function variants in CHD7 are known to be pathogenic (PMID: 22461308, 25077900). This variant is not present in population databases (ExAC no frequency). This variant has not been reported in the literature in individuals with CHD7-related conditions. For these reasons, this variant has been classified as Pathogenic.

Literature cited by the submitters: PubMed 22461308; PubMed 25077900.

NM_017780.4(CHD7):c.4542del (p.Phe1514fs)

Gene: CHD7 (chromodomain helicase DNA binding protein 7; plus strand). Cytogenetic location: 8q12.2.
Variant type: Deletion.
Coding change: c.4542del on transcript NM_017780.4 (MANE Select); coding-DNA position 4542, one base deleted (T; older notation c.4542delT).
Protein change: p.Phe1514fs; shifts the reading frame from phenylalanine 1514.
Molecular consequence: frameshift variant. On other transcripts: intron variant (1).
Genome position (GRCh38, 1-based): chr8:60,841,652, T deleted; the last of 4 consecutive T bases (chr8:60,841,649-60,841,652); deleting any one gives the same sequence. VCF-style (leftmost placement, unchanged base first): chr8-60841648-GT-G. GRCh37 (hg19) VCF-style: chr8-61754207-GT-G.
Other names: c.1717-20577del (NM_001316690.1); short protein forms F1514fs.
Identifiers: ClinVar variation 1457213 (VCV001457213.6), dbSNP rs2150785999, ClinGen allele CA2573143258.
Genomic context (GRCh38, chr8:60,841,648, plus strand): 5'-ACATTCTGCTTCTGAGAAAGGCCTCTCAAAGTAATGCGTTTCTTTTTTCTCTTTAGGCCA[GT>G]TTTGTTGCATCTGGAAATAGGACAGATATTTCCTTGGATGATCCAAATTTCTGGCAAAAG-3'